The following is an entry in ClinVar:

NM_002693.3(POLG):c.419G>T (p.Arg140Leu)

Genes: POLG (DNA polymerase gamma, catalytic subunit; minus strand), POLGARF (POLG alternative reading frame; minus strand). Cytogenetic location: 15q26.1.
Variant type: single nucleotide variant.
Coding change: c.419G>T on transcript NM_002693.3 (MANE Select); coding-DNA position 419, G replaced by T.
Protein change: p.Arg140Leu; replaces arginine 140 with leucine.
Molecular consequence: missense variant. On other transcripts: synonymous variant (1).
Genome position (GRCh38, 1-based): chr15:89,333,336, C>A on the plus strand (G>T on the coding strand, the complement: POLG is on the minus strand). VCF-style: chr15-89333336-C-A. GRCh37 (hg19) VCF-style: chr15-89876567-C-A.
Other names: c.474G>T, p.Pro158= (NM_001430120.1); c.419G>T, p.Arg140Leu (NM_001126131.2); short protein forms R140L.
Identifiers: ClinVar variation 3377419 (VCV003377419.4).

ClinVar aggregate classification (germline): Uncertain significance. Review status: criteria provided, multiple submitters, no conflicts (2 of 4 stars). 3 submissions from 3 submitters: Uncertain significance (3). Last evaluated 2024-10-10.

Conditions:
Progressive sclerosing poliodystrophy (MTDPS4A). Also called: Mitochondrial DNA Depletion Syndrome 4A; ALPERS PROGRESSIVE INFANTILE POLIODYSTROPHY; NEURONAL DEGENERATION OF CHILDHOOD WITH LIVER DISEASE, PROGRESSIVE; Alpers Syndrome; ALPERS DIFFUSE DEGENERATION OF CEREBRAL GRAY MATTER WITH HEPATIC CIRRHOSIS; Alpers-Huttenlocher Syndrome. Identifiers: Orphanet 726, MedGen C0205710, MONDO:0008758, OMIM 203700.

gnomAD v4.1: 7 of 1,561,910 alleles (0.00045%); highest among the groups gnomAD compares: South Asian, 0.0081%; 1 homozygote.

Submissions (3):

GeneDx
Classification: Uncertain significance. Last evaluated: 2024-10-10. Review status: criteria provided, single submitter. Criteria: GeneDx Variant Classification Process June 2021. Collection method: clinical testing. Allele origin: germline. Affected: yes.
Comment: Not observed at significant frequency in large population cohorts (gnomAD); In silico analysis supports that this missense variant has a deleterious effect on protein structure/function; Has not been previously published as pathogenic or benign to our knowledge

Labcorp Genetics (formerly Invitae), Labcorp
Classification: Uncertain significance for Progressive sclerosing poliodystrophy. Last evaluated: 2024-09-06. Review status: criteria provided, single submitter. Criteria: Invitae Variant Classification Sherloc (09022015). Collection method: clinical testing. Allele origin: germline.
Comment: This sequence change replaces arginine, which is basic and polar, with leucine, which is neutral and non-polar, at codon 140 of the POLG protein (p.Arg140Leu). The frequency data for this variant in the population databases is considered unreliable, as metrics indicate poor data quality at this position in the gnomAD database. This variant has not been reported in the literature in individuals affected with POLG-related conditions. Invitae Evidence Modeling of protein sequence and biophysical properties (such as structural, functional, and spatial information, amino acid conservation, physicochemical variation, residue mobility, and thermodynamic stability) indicates that this missense variant is expected to disrupt POLG protein function with a positive predictive value of 95%. In summary, the available evidence is currently insufficient to determine the role of this variant in disease. Therefore, it has been classified as a Variant of Uncertain Significance.

Victorian Clinical Genetics Services, Murdoch Childrens Research Institute
Classification: Uncertain significance for Progressive sclerosing poliodystrophy. Last evaluated: 2020-05-21. Review status: criteria provided, single submitter. Criteria: ACMG Guidelines, 2015. Collection method: clinical testing. Allele origin: germline.
Comment: Based on the classification scheme VCGS_Germline_v1.1.1, this variant is classified as VOUS - 3B. Following criteria are met: 0102 - Loss-of-function is a known mechanism of disease for this gene. (N) 0108 - This gene is known to be associated with both recessive and dominant disease. (N) 0112 - Variants in this gene are known to have reduced penetrance for AD PEO disease (OMIM). (N) 0200 - Variant is predicted to result in a missense amino acid change from arginine to leucine. (N) 0251 - Variant is heterozygous. (N) 0304 - Variant is present in gnomAD <0.01 for a recessive condition (1 Het, 0 Hom). (P) 0309 - An alternative amino acid change at the same position has been observed in gnomAD (2 Het, 0 Hom). (N) 0501 - Missense variant consistently predicted to be damaging by multiple in-silico tools or highly conserved with a major amino acid change. (P) 0600 - Variant is located in an annotated domain or motif. (N) 0708 - A comparable variant has been previous reported as a VUS (ClinVar). (N) 0807 - Variant has not previously been reported in a clinical context. (N) 0905 - No segregation evidence has been identified for this variant. (N) 1007 - No published functional evidence has been identified for this variant. (N) Legend: (P) - Pathogenic, (N) - Neutral, (B) - Benign